The following is an entry in ClinVar:

ClinVar aggregate classification (germline): Benign. Review status: criteria provided, single submitter (1 of 4 stars). 2 submissions from 1 submitter: Benign (2). Last evaluated 2018-01-13.

Conditions:
Amyotrophic lateral sclerosis type 4 (ALS4). Also called: AMYOTROPHIC LATERAL SCLEROSIS 4, JUVENILE; NEURONOPATHY, DISTAL HEREDITARY MOTOR, WITH PYRAMIDAL FEATURES. Identifiers: Orphanet 357043, MedGen C1865409, MONDO:0011223, OMIM 602433.
Spinocerebellar ataxia, autosomal recessive, with axonal neuropathy 2 (SCAN2). Also called: ATAXIA-OCULOMOTOR APRAXIA 2; Ataxia-ocular apraxia-2; Ataxia with Oculomotor Apraxia; Ataxia with Oculomotor Apraxia Type 2. Identifiers: Orphanet 64753, MedGen C1853761, MONDO:0018996, OMIM 606002.

Allele frequency attached by ClinVar (database versions not stated): 1000 Genomes Project 0.00859; 1000 Genomes Project 30x 0.01046; gnomAD 0.01516 and 0.01559; TOPMed 0.01632; gnomAD exomes 0.05556.
gnomAD v4.1: 2,334 of 152,306 alleles (1.5%); highest among the groups gnomAD compares: Middle Eastern, 3.7%; 36 homozygotes.

Submissions (2):

Illumina Laboratory Services, Illumina
Classification: Benign for Amyotrophic lateral sclerosis type 4. Last evaluated: 2018-01-13. Review status: criteria provided, single submitter. Criteria: ICSL Variant Classification Criteria 13 December 2019. Collection method: clinical testing. Allele origin: germline.
Comment: This variant was observed in the ICSL laboratory as part of a predisposition screen in an ostensibly healthy population. It had not been previously curated by ICSL or reported in the Human Gene Mutation Database (HGMD: prior to June 1st, 2018), and was therefore a candidate for classification through an automated scoring system. Utilizing variant allele frequency, disease prevalence and penetrance estimates, and inheritance mode, an automated score was calculated to assess if this variant is too frequent to cause the disease. Based on the score and internal cut-off values, a variant classified as benign is not then subjected to further curation. The score for this variant resulted in a classification of benign for this disease.

Illumina Laboratory Services, Illumina
Classification: Benign for Spinocerebellar ataxia, autosomal recessive, with axonal neuropathy 2. Last evaluated: 2018-01-13. Review status: criteria provided, single submitter. Criteria: ICSL Variant Classification Criteria 13 December 2019. Collection method: clinical testing. Allele origin: germline.
Comment: the same text as in the submission from Illumina Laboratory Services, Illumina above.

NM_015046.7(SETX):c.*849G>T

Gene: SETX (senataxin; minus strand). Cytogenetic location: 9q34.13.
Variant type: single nucleotide variant.
Coding change: c.*849G>T on transcript NM_015046.7 (MANE Select); 849 bases downstream of the stop codon, G replaced by T.
Molecular consequence: 3 prime UTR variant.
Genome position (GRCh38, 1-based): chr9:132,263,390, C>A on the plus strand (G>T on the coding strand, the complement: SETX is on the minus strand). VCF-style: chr9-132263390-C-A. GRCh37 (hg19) VCF-style: chr9-135138777-C-A.
Other names: c.*849G>T (NM_001351527.2, NM_001351528.2).
Identifiers: ClinVar variation 365325 (VCV000365325.5), dbSNP rs74975459, ClinGen allele CA10629227.